The following is an entry in ClinVar:

NM_144997.7(FLCN):c.383_384delinsTT (p.Ser128Ile)

Gene: FLCN (folliculin; minus strand). Cytogenetic location: 17p11.2.
Variant type: Indel.
Coding change: c.383_384delinsTT on transcript NM_144997.7 (MANE Select); coding-DNA positions 383 to 384, GC replaced by TT.
Protein change: p.Ser128Ile; replaces serine 128 with isoleucine.
Molecular consequence: missense variant.
Genome position (GRCh38, 1-based): chr17:17,226,188-17,226,189, GC replaced by AA on the plus strand (GC replaced by TT on the coding strand, the reverse complement: FLCN is on the minus strand). VCF-style: chr17-17226188-GC-AA. GRCh37 (hg19) VCF-style: chr17-17129502-GC-AA.
Other names: c.383_384delinsTT, p.Ser128Ile (NM_001353229.2, NM_001353230.2, NM_001353231.2 and 1 more transcripts); short protein forms S128I.
Identifiers: ClinVar variation 3229248 (VCV003229248.1), dbSNP rs2544279846, ClinGen allele CA2825002469.

ClinVar aggregate classification (germline): Uncertain significance (1 of 4 stars; one submission).

Conditions:
Hereditary cancer-predisposing syndrome. Also called: Neoplastic Syndromes, Hereditary; Tumor predisposition; Hereditary neoplastic syndrome; Hereditary Cancer Syndrome. Identifiers: Orphanet 140162, MedGen C0027672, MeSH D009386, MONDO:0015356.

Submission:

Ambry Genetics
Classification: Uncertain significance for Hereditary cancer-predisposing syndrome. Last evaluated: 2023-10-23. Review status: criteria provided, single submitter. Criteria: Ambry Variant Classification Scheme 2023. Collection method: clinical testing. Allele origin: germline.
Comment: The c.383_384delGCinsTT variant (also known as p.S128I), located in coding exon 2 of the FLCN gene, results from an in-frame deletion of GC and insertion of TT at nucleotide positions 383 to 384. This results in the substitution of the serine residue for an isoleucine residue at codon 128, an amino acid with dissimilar properties. This amino acid position is highly conserved in available vertebrate species. In addition, the in silico prediction for this alteration is inconclusive (Choi Y et al. PLoS ONE. 2012; 7(10):e46688). Since supporting evidence is limited at this time, the clinical significance of this alteration remains unclear.